The following is an entry in ClinVar:

NM_004304.5(ALK):c.3361G>C (p.Gly1121Arg)

Gene: ALK (ALK receptor tyrosine kinase; minus strand). Cytogenetic location: 2p23.2.
Variant type: single nucleotide variant.
Coding change: c.3361G>C on transcript NM_004304.5 (MANE Select); coding-DNA position 3361, G replaced by C.
Protein change: p.Gly1121Arg; replaces glycine 1121 with arginine.
Molecular consequence: missense variant.
Genome position (GRCh38, 1-based): chr2:29,222,606, C>G on the plus strand (G>C on the coding strand, the complement: ALK is on the minus strand). VCF-style: chr2-29222606-C-G. GRCh37 (hg19) VCF-style: chr2-29445472-C-G.
Other names: c.157G>C, p.Gly53Arg (NM_001353765.2); short protein forms G53R, G1121R.
Identifiers: ClinVar variation 3658516 (VCV003658516.2).

ClinVar aggregate classification (germline): Uncertain significance (1 of 4 stars; one submission).

Conditions:
Neuroblastoma, susceptibility to, 3. Also called: ALK-Related Neuroblastic Tumor Susceptibility. Identifiers: Orphanet 635, MedGen C2751681, MONDO:0013083, OMIM 613014.

Submission:

Labcorp Genetics (formerly Invitae), Labcorp
Classification: Uncertain significance for Neuroblastoma, susceptibility to, 3. Last evaluated: 2024-07-02. Review status: criteria provided, single submitter. Criteria: Invitae Variant Classification Sherloc (09022015). Collection method: clinical testing. Allele origin: germline.
Comment: This sequence change replaces glycine, which is neutral and non-polar, with arginine, which is basic and polar, at codon 1121 of the ALK protein (p.Gly1121Arg). This variant is not present in population databases (gnomAD no frequency). This variant has not been reported in the literature in individuals affected with ALK-related conditions. An algorithm developed to predict the effect of missense changes on protein structure and function (PolyPhen-2) suggests that this variant is likely to be disruptive. In summary, the available evidence is currently insufficient to determine the role of this variant in disease. Therefore, it has been classified as a Variant of Uncertain Significance.